The following is an entry in ClinVar:

ClinVar aggregate classification (germline): Uncertain significance (1 of 4 stars; one submission).

Conditions:
Hyperphosphatasia with intellectual disability syndrome 5 (GPIBD11). Also called: GLYCOSYLPHOSPHATIDYLINOSITOL BIOSYNTHESIS DEFECT 11. Identifiers: Orphanet 247262, MedGen C4014958, MONDO:0014457, OMIM 616025.

Allele frequency attached by ClinVar (database versions not stated): gnomAD exomes below 0.00001.

Submission:

Labcorp Genetics (formerly Invitae), Labcorp
Classification: Uncertain significance for Hyperphosphatasia with intellectual disability syndrome 5. Last evaluated: 2025-12-01. Review status: criteria provided, single submitter. Criteria: Invitae Variant Classification Sherloc (09022015). Collection method: clinical testing. Allele origin: germline.
Comment: This sequence change creates a premature translational stop signal (p.Tyr98Thrfs*13) in the PIGW gene. While this is not anticipated to result in nonsense mediated decay, it is expected to disrupt the last 407 amino acid(s) of the PIGW protein. This variant is not present in population databases (gnomAD no frequency). This variant has not been reported in the literature in individuals affected with PIGW-related conditions. ClinVar contains an entry for this variant (Variation ID: 1900228). Experimental studies and prediction algorithms are not available or were not evaluated, and the functional significance of this variant is currently unknown. In summary, the available evidence is currently insufficient to determine the role of this variant in disease. Therefore, it has been classified as a Variant of Uncertain Significance.

NM_001346754.2(PIGW):c.291del (p.Tyr98fs)

Genes: MYO19 (myosin XIX; minus strand), PIGW (phosphatidylinositol glycan anchor biosynthesis class W; plus strand). Cytogenetic location: 17q12.
Variant type: Deletion.
Coding change: c.291del on transcript NM_001346754.2 (MANE Select); coding-DNA position 291, one base deleted (A; older notation c.291delA).
Protein change: p.Tyr98fs; shifts the reading frame from tyrosine 98.
Molecular consequence: frameshift variant.
Genome position (GRCh38, 1-based): chr17:36,537,392, A deleted. VCF-style (leftmost placement, unchanged base first): chr17-36537391-TA-T. GRCh37 (hg19) VCF-style: chr17-34893240-TA-T.
Other names: c.291del, p.Tyr98fs (NM_001346755.2, NM_178517.5); short protein forms Y98fs.
Identifiers: ClinVar variation 1900228 (VCV001900228.5), dbSNP rs1277274231, ClinGen allele CA728501964.